The following is an entry in ClinVar:

NM_172245.4(CSF2RA):c.1143C>G (p.Phe381Leu)

Gene: CSF2RA (colony stimulating factor 2 receptor subunit alpha; plus strand). Cytogenetic location: Xp22.33.
Variant type: single nucleotide variant.
Coding change: c.1143C>G on transcript NM_172245.4 (MANE Select); coding-DNA position 1143, C replaced by G.
Protein change: p.Phe381Leu; replaces phenylalanine 381 with leucine.
Molecular consequence: missense variant. On other transcripts: 3 prime UTR variant (5), non-coding transcript variant (1), intron variant (6).
Genome position (GRCh38, 1-based): chrX:1,309,419, C>G. VCF-style: chrX-1309419-C-G. GRCh37 (hg19) VCF-style: chrX-1428312-C-G.
Other names: c.1143C>G, p.Phe381Leu (NM_001161529.2, NM_001379156.1, NM_001379158.1 and 1 more transcripts); c.1245C>G, p.Phe415Leu (NM_001161530.2, NM_001379153.1, NM_001379154.1); c.744C>G, p.Phe248Leu (NM_001161532.2); c.1113C>G, p.Phe371Leu (NM_001379160.1); c.954C>G, p.Phe318Leu (NM_001379166.1); c.*44C>G (NM_001379167.1, NM_001379168.1, NM_001379169.1 and 2 more transcripts); c.964C>G, p.His322Asp (NM_172246.4); c.1125+3892C>G (NM_001379163.1, NM_001379162.1, NM_001379164.1 and 2 more transcripts); and 1 more; short protein forms H322D, F371L, F415L, F248L, F318L, F381L.
Identifiers: ClinVar variation 1366406 (VCV001366406.5), dbSNP rs202127578, ClinGen allele CA10331272.

ClinVar aggregate classification (germline): Uncertain significance (1 of 4 stars; one submission).

Conditions:
Surfactant metabolism dysfunction, pulmonary, 4 (SMDP4). Also called: CSF2RA DEFICIENCY; PAP DUE TO CSF2RA DEFICIENCY; PULMONARY ALVEOLAR PROTEINOSIS, CONGENITAL, 4. Identifiers: Orphanet 264675, MedGen C2677877, MONDO:0010424, OMIM 300770.

Allele frequency attached by ClinVar (database versions not stated): gnomAD exomes below 0.00001 and 0.00003; gnomAD 0.00001 and 0.00002; ExAC 0.00002; 1000 Genomes Project 30x 0.00042; 1000 Genomes Project 0.00053.
gnomAD v4.1: 8 of 1,613,930 alleles (0.0005%); highest among the groups gnomAD compares: East Asian, 0.016%; no homozygotes.

Submission:

Labcorp Genetics (formerly Invitae), Labcorp
Classification: Uncertain significance for Surfactant metabolism dysfunction, pulmonary, 4. Last evaluated: 2022-04-03. Review status: criteria provided, single submitter. Criteria: Invitae Variant Classification Sherloc (09022015). Collection method: clinical testing. Allele origin: germline.
Comment: This sequence change replaces phenylalanine, which is neutral and non-polar, with leucine, which is neutral and non-polar, at codon 381 of the CSF2RA protein (p.Phe381Leu). This variant is present in population databases (no rsID available, gnomAD 0.04%). This variant has not been reported in the literature in individuals affected with CSF2RA-related conditions. Algorithms developed to predict the effect of missense changes on protein structure and function output the following: SIFT: "Tolerated"; PolyPhen-2: "Benign"; Align-GVGD: "Class C0". The leucine amino acid residue is found in multiple mammalian species, which suggests that this missense change does not adversely affect protein function. In summary, the available evidence is currently insufficient to determine the role of this variant in disease. Therefore, it has been classified as a Variant of Uncertain Significance.